The following is an entry in ClinVar:

ClinVar aggregate classification (germline): Uncertain significance (1 of 4 stars; one submission).

Conditions:
Neurodevelopmental disorder with language delay and behavioral abnormalities, with or without seizures (NEDLBAS). Identifiers: MedGen C5830365, MONDO:0859531, OMIM 620292.

Submission:

Juno Genomics, Hangzhou Juno Genomics, Inc
Classification: Uncertain significance for Neurodevelopmental disorder with language delay and behavioral abnormalities, with or without seizures. Review status: criteria provided, single submitter. Criteria: ACMG Guidelines, 2015. Collection method: clinical testing. Allele origin: germline.
Comment: Absent from controls (or at extremely low frequency if recessive) in Genome Aggregation Database.;Missense variant in a gene that has a low rate of benign missense variation.

NM_012199.5(AGO1):c.407T>A (p.Val136Glu)

Gene: AGO1 (argonaute RISC component 1; plus strand). Cytogenetic location: 1p34.3.
Variant type: single nucleotide variant.
Coding change: c.407T>A on transcript NM_012199.5 (MANE Select); coding-DNA position 407, T replaced by A.
Protein change: p.Val136Glu; replaces valine 136 with glutamic acid.
Molecular consequence: missense variant.
Genome position (GRCh38, 1-based): chr1:35,893,173, T>A. VCF-style: chr1-35893173-T-A. GRCh37 (hg19) VCF-style: chr1-36358774-T-A.
Other names: c.407T>A, p.Val136Glu (NM_001317122.2); c.182T>A, p.Val61Glu (NM_001317123.2); short protein forms V136E, V61E.
Identifiers: ClinVar variation 5019217 (VCV005019217.2).
Genomic context (GRCh38, chr1:35,893,173, plus strand): 5'-CAATCCCTGGGGAAGGGAAGGATCGAATCTTTAAGGTCTCCATCAAGTGGCTAGCCATTG[T>A]GAGCTGGCGAATGCTGCATGAGGCCCTGGTCAGCGGCCAGATCCCTGTTCCCTTGGAGTC-3'
Protein context (NP_036331.1, residues 126-146): FKVSIKWLAI[Val136Glu]SWRMLHEALV